The following is an entry in ClinVar:

ClinVar aggregate classification (germline): Uncertain significance (1 of 4 stars; one submission).

Conditions:
Hereditary cancer-predisposing syndrome. Also called: Tumor predisposition; Hereditary neoplastic syndrome; Hereditary Cancer Syndrome; Neoplastic Syndromes, Hereditary. Identifiers: Orphanet 140162, MedGen C0027672, MeSH D009386, MONDO:0015356.

Allele frequency attached by ClinVar (database versions not stated): gnomAD exomes below 0.00001.
gnomAD v4.1: 1 of 1,612,312 alleles (0.000062%); highest among the groups gnomAD compares: East Asian, 0.0022%; no homozygotes.

Submission:

Ambry Genetics
Classification: Uncertain significance for Hereditary cancer-predisposing syndrome. Last evaluated: 2024-01-19. Review status: criteria provided, single submitter. Criteria: Ambry Variant Classification Scheme 2023. Collection method: clinical testing. Allele origin: germline.
Comment: The p.V499M variant (also known as c.1495G>A), located in coding exon 10 of the MSH3 gene, results from a G to A substitution at nucleotide position 1495. The valine at codon 499 is replaced by methionine, an amino acid with highly similar properties. This amino acid position is conserved. In addition, the in silico prediction for this alteration is inconclusive. Based on the available evidence, the clinical significance of this alteration remains unclear.

NM_002439.5(MSH3):c.1495G>A (p.Val499Met)

Gene: MSH3 (mutS homolog 3; plus strand). Cytogenetic location: 5q14.1.
Variant type: single nucleotide variant.
Coding change: c.1495G>A on transcript NM_002439.5 (MANE Select); coding-DNA position 1495, G replaced by A.
Protein change: p.Val499Met; replaces valine 499 with methionine.
Molecular consequence: missense variant.
Genome position (GRCh38, 1-based): chr5:80,728,892, G>A. VCF-style: chr5-80728892-G-A. GRCh37 (hg19) VCF-style: chr5-80024711-G-A.
Other names: short protein forms V499M.
Identifiers: ClinVar variation 3222239 (VCV003222239.1), dbSNP rs2546754630, ClinGen allele CA360274225.